The following is an entry in ClinVar:

ClinVar aggregate classification (germline): Uncertain significance (1 of 4 stars; one submission).

Submission:

Ambry Genetics
Classification: Uncertain significance. Last evaluated: 2024-11-15. Review status: criteria provided, single submitter. Criteria: Ambry Variant Classification Scheme 2023. Collection method: clinical testing. Allele origin: germline.
Comment: The p.F3144S variant (also known as c.9431T>C), located in coding exon 67 of the PRKDC gene, results from a T to C substitution at nucleotide position 9431. The phenylalanine at codon 3144 is replaced by serine, an amino acid with highly dissimilar properties. This amino acid position is conserved. Based on the available evidence, the clinical significance of this variant remains unclear.

NM_006904.7(PRKDC):c.9431T>C (p.Phe3144Ser)

Gene: PRKDC (protein kinase, DNA-activated, catalytic subunit; minus strand). Cytogenetic location: 8q11.21.
Variant type: single nucleotide variant.
Coding change: c.9431T>C on transcript NM_006904.7 (MANE Select); coding-DNA position 9431, T replaced by C.
Protein change: p.Phe3144Ser; replaces phenylalanine 3144 with serine.
Molecular consequence: missense variant.
Genome position (GRCh38, 1-based): chr8:47,819,416, A>G on the plus strand (T>C on the coding strand, the complement: PRKDC is on the minus strand). VCF-style: chr8-47819416-A-G. GRCh37 (hg19) VCF-style: chr8-48731977-A-G.
Other names: c.9431T>C, p.Phe3144Ser (NM_001081640.2); short protein forms F3144S.
Identifiers: ClinVar variation 3425408 (VCV003425408.1).
Genomic context (GRCh38, chr8:47,819,416, plus strand): 5'-CTTCCACAATTAGAAATGAAAAAAAAAGACCGATGAAAAAAATTACCTTGTTTGCTTATA[A>G]AGCTGATGAACTCCTGAATTTCTGTTAAAGCCTGTACAGACTGCAATTTGGTGAGTCTAC-3'
Protein context (NP_008835.5, residues 3134-3154): ALTEIQEFIS[Phe3144Ser]ISKQGNLSSQ